The following is an entry in ClinVar:

ClinVar aggregate classification (germline): Uncertain significance (1 of 4 stars; one submission).

Submission:

CeGaT Center for Human Genetics Tuebingen
Classification: Uncertain significance. Last evaluated: 2023-12-01. Review status: criteria provided, single submitter. Criteria: CeGaT Center For Human Genetics Tuebingen Variant Classification Criteria Version 2. Collection method: clinical testing. Allele origin: germline. Affected: yes. Observed: 1 variant allele.
Comment: CHD5: PM2

NM_015557.3(CHD5):c.4757C>T (p.Pro1586Leu)

Gene: CHD5 (chromodomain helicase DNA binding protein 5; minus strand). Cytogenetic location: 1p36.31.
Variant type: single nucleotide variant.
Coding change: c.4757C>T on transcript NM_015557.3 (MANE Select); coding-DNA position 4757, C replaced by T.
Protein change: p.Pro1586Leu; replaces proline 1586 with leucine.
Molecular consequence: missense variant.
Genome position (GRCh38, 1-based): chr1:6,121,516, G>A on the plus strand (C>T on the coding strand, the complement: CHD5 is on the minus strand). VCF-style: chr1-6121516-G-A. GRCh37 (hg19) VCF-style: chr1-6181576-G-A.
Other names: short protein forms P1586L.
Identifiers: ClinVar variation 3026592 (VCV003026592.22), dbSNP rs2525356799, ClinGen allele CA338069793.